The following is an entry in ClinVar:

ClinVar aggregate classification (germline): Uncertain significance (1 of 4 stars; one submission).

gnomAD v4.1: 2 of 1,566,576 alleles (0.00013%); highest among the groups gnomAD compares: South Asian, 0.0012%; no homozygotes.

Submission:

Women's Health and Genetics/Laboratory Corporation of America, LabCorp
Classification: Uncertain significance. Last evaluated: 2023-11-22. Review status: criteria provided, single submitter. Criteria: LabCorp Variant Classification Summary - May 2015. Collection method: clinical testing. Allele origin: germline.
Comment: Variant summary: AHDC1 c.1312C>A (p.Pro438Thr) results in a non-conservative amino acid change in the encoded protein sequence. Three of five in-silico tools predict a benign effect of the variant on protein function. The variant was absent in 168444 control chromosomes. The available data on variant occurrences in the general population are insufficient to allow any conclusion about variant significance. To our knowledge, no occurrence of c.1312C>A in individuals affected with Xia-Gibbs Syndrome and no experimental evidence demonstrating its impact on protein function have been reported. No submitters have cited clinical-significance assessments for this variant to ClinVar after 2014. Based on the evidence outlined above, the variant was classified as uncertain significance.

NM_001371928.1(AHDC1):c.1312C>A (p.Pro438Thr)

Gene: AHDC1 (AT-hook DNA binding motif containing 1; minus strand). Cytogenetic location: 1p36.11.
Variant type: single nucleotide variant.
Coding change: c.1312C>A on transcript NM_001371928.1 (MANE Select); coding-DNA position 1312, C replaced by A.
Protein change: p.Pro438Thr; replaces proline 438 with threonine.
Molecular consequence: missense variant.
Genome position (GRCh38, 1-based): chr1:27,550,804, G>T on the plus strand (C>A on the coding strand, the complement: AHDC1 is on the minus strand). VCF-style: chr1-27550804-G-T. GRCh37 (hg19) VCF-style: chr1-27877315-G-T.
Other names: c.1312C>A, p.Pro438Thr (NM_001029882.3); short protein forms P438T.
Identifiers: ClinVar variation 2682242 (VCV002682242.1), dbSNP rs766547752, ClinGen allele CA339234592.